The following is an entry in ClinVar:

ClinVar aggregate classification (germline): Uncertain significance (1 of 4 stars; one submission).

Submission:

Labcorp Genetics (formerly Invitae), Labcorp
Classification: Uncertain significance. Last evaluated: 2022-09-06. Review status: criteria provided, single submitter. Criteria: Invitae Variant Classification Sherloc (09022015). Collection method: clinical testing. Allele origin: germline.
Comment: In summary, the available evidence is currently insufficient to determine the role of this variant in disease. Therefore, it has been classified as a Variant of Uncertain Significance. Algorithms developed to predict the effect of missense changes on protein structure and function are either unavailable or do not agree on the potential impact of this missense change (SIFT: "Deleterious"; PolyPhen-2: "Possibly Damaging"; Align-GVGD: "Class C0"). ClinVar contains an entry for this variant (Variation ID: 1383045). This variant has not been reported in the literature in individuals affected with MAPKBP1-related conditions. This variant is not present in population databases (gnomAD no frequency). This sequence change replaces arginine, which is basic and polar, with tryptophan, which is neutral and slightly polar, at codon 764 of the MAPKBP1 protein (p.Arg764Trp).

NM_014994.3(MAPKBP1):c.2272A>T (p.Arg758Trp)

Gene: MAPKBP1 (mitogen-activated protein kinase binding protein 1; plus strand). Cytogenetic location: 15q15.1.
Variant type: single nucleotide variant.
Coding change: c.2272A>T on transcript NM_014994.3 (MANE Select); coding-DNA position 2272, A replaced by T.
Protein change: p.Arg758Trp; replaces arginine 758 with tryptophan.
Molecular consequence: missense variant. On other transcripts: non-coding transcript variant (2).
Genome position (GRCh38, 1-based): chr15:41,818,938, A>T. VCF-style: chr15-41818938-A-T. GRCh37 (hg19) VCF-style: chr15-42111136-A-T.
Other names: c.2290A>T, p.Arg764Trp (NM_001128608.2); c.2272A>T, p.Arg758Trp (NM_001265611.2); short protein forms R764W, R758W.
Identifiers: ClinVar variation 1383045 (VCV001383045.6), dbSNP rs2152082288, ClinGen allele CA391868069.
Genomic context (GRCh38, chr15:41,818,938, plus strand): 5'-CTGGCCGAGTTGCGCCAGCGTCAGCGGGGCGGCAAGCAGCAAGGACCATCCTCTCCCCAA[A>T]GGGCTTCTGGACCCAACCGGTGAGAACAGAATGTGGGCAAGTGATGGGTGGGTGTGCAGA-3'
Protein context (NP_055809.2, residues 748-768): GKQQGPSSPQ[Arg758Trp]ASGPNRHQAP